The following is an entry in ClinVar:

ClinVar aggregate classification (germline): Uncertain significance (1 of 4 stars; one submission).

Conditions:
Cardiovascular phenotype. Identifiers: MedGen CN230736.

Allele frequency attached by ClinVar (database versions not stated): ESP Exome Variant Server 0.00008.
gnomAD v4.1: 2 of 1,614,002 alleles (0.00012%); highest among the groups gnomAD compares: African/African-American, 0.0013%; no homozygotes.

Submission:

Ambry Genetics
Classification: Uncertain significance for Cardiovascular phenotype. Last evaluated: 2023-09-24. Review status: criteria provided, single submitter. Criteria: Ambry Variant Classification Scheme 2023. Collection method: clinical testing. Allele origin: germline.
Comment: The p.V3504L variant (also known as c.10510G>C), located in coding exon 26 of the APOB gene, results from a G to C substitution at nucleotide position 10510. The valine at codon 3504 is replaced by leucine, an amino acid with highly similar properties. This amino acid position is conserved. In addition, this alteration is predicted to be tolerated by in silico analysis. Since supporting evidence is limited at this time, the clinical significance of this alteration remains unclear.

NM_000384.3(APOB):c.10510G>C (p.Val3504Leu)

Gene: APOB (apolipoprotein B; minus strand). Cytogenetic location: 2p24.1.
Variant type: single nucleotide variant.
Coding change: c.10510G>C on transcript NM_000384.3 (MANE Select); coding-DNA position 10510, G replaced by C.
Protein change: p.Val3504Leu; replaces valine 3504 with leucine.
Molecular consequence: missense variant.
Genome position (GRCh38, 1-based): chr2:21,006,358, C>G on the plus strand (G>C on the coding strand, the complement: APOB is on the minus strand). VCF-style: chr2-21006358-C-G. GRCh37 (hg19) VCF-style: chr2-21229230-C-G.
Other names: short protein forms V3504L.
Identifiers: ClinVar variation 3231354 (VCV003231354.1), dbSNP rs138158833, ClinGen allele CA43495598.